The following is an entry in ClinVar:

ClinVar aggregate classification (germline): Conflicting classifications of pathogenicity. Review status: criteria provided, conflicting classifications (1 of 4 stars). 3 submissions from 3 submitters: Uncertain significance (2); Likely benign (1). Last evaluated 2026-02-02.

Conditions:
Primary dilated cardiomyopathy (DCM). Also called: Dilated Cardiomyopathy. Identifiers: Orphanet 217604, MedGen C0007193, MeSH D002311, MONDO:0005021, HP:0001644. Inheritance: Various modes of inheritance.

Allele frequency attached by ClinVar (database versions not stated): gnomAD exomes 0.00006 and 0.00002; 1000 Genomes Project 30x 0.00016; ESP Exome Variant Server 0.00023; ExAC 0.00005; gnomAD 0.00027 and 0.00033; TOPMed 0.00034.
gnomAD v4.1: 77 of 1,608,140 alleles (0.0048%); highest among the groups gnomAD compares: African/African-American, 0.089%; no homozygotes.

Submissions (3):

Labcorp Genetics (formerly Invitae), Labcorp
Classification: Likely benign for Primary dilated cardiomyopathy. Last evaluated: 2026-02-02. Review status: criteria provided, single submitter. Criteria: Invitae Variant Classification Sherloc (09022015). Collection method: clinical testing. Allele origin: germline.

Ambry Genetics
Classification: Uncertain significance. Last evaluated: 2024-12-10. Review status: criteria provided, single submitter. Criteria: Ambry Variant Classification Scheme 2023. Collection method: clinical testing. Allele origin: germline.

GeneDx
Classification: Uncertain significance. Last evaluated: 2017-04-28. Review status: criteria provided, single submitter. Criteria: GeneDx Variant Classification (06012015). Collection method: clinical testing. Allele origin: germline. Affected: yes.
Comment: A second variant of uncertain significance has been identified in the NEBL gene. The M276T variant has not been published as pathogenic or been reported as benign to our knowledge. This variant is observed in 5/10,380 (0.05%) alleles from individuals of African ancestry in the Exome Aggregation Consortium (ExAC) dataset (Lek et al., 2016; Exome Variant Server). This substitution occurs at a position that is not conserved across species and threonine is present as the wild type in at least one mammalian species. In silico analysis is inconsistent in its predictions as to whether or not the variant is damaging to the protein structure/function. Nevertheless, the M276T variant is a non-conservative amino acid substitution, which is likely to impact secondary protein structure as these residues differ in polarity, charge, size and/or other properties.

NM_006393.3(NEBL):c.827T>C (p.Met276Thr)

Gene: NEBL (nebulette; minus strand). Cytogenetic location: 10p12.31.
Variant type: single nucleotide variant.
Coding change: c.827T>C on transcript NM_006393.3 (MANE Select); coding-DNA position 827, T replaced by C.
Protein change: p.Met276Thr; replaces methionine 276 with threonine.
Molecular consequence: missense variant. On other transcripts: intron variant (9).
Genome position (GRCh38, 1-based): chr10:20,858,316, A>G on the plus strand (T>C on the coding strand, the complement: NEBL is on the minus strand). VCF-style: chr10-20858316-A-G. GRCh37 (hg19) VCF-style: chr10-21147245-A-G.
Other names: c.250-45376T>C (NM_001377326.1, NM_001377327.1, NM_001377328.1); c.358-45376T>C (NM_213569.2, NM_001173484.2, NM_001377322.1); c.301-45376T>C (NM_001377324.1); c.292-45376T>C (NM_001377325.1); c.310-45376T>C (NM_001377323.1); short protein forms M276T.
Identifiers: ClinVar variation 426159 (VCV000426159.16), dbSNP rs141285752, ClinGen allele CA5433083.
Genomic context (GRCh38, chr10:20,858,316, plus strand): 5'-CTGGCTTTCAAAACATGGTCTAAAAACAACAAATTTGGGAGATCTGAAACTGGATCATGC[A>G]TATTTTGAATGTCTTTCTTGTACTTCACCTATGAAAATAACATGGAACAAAATACCATCG-3'
Protein context (NP_006384.1, residues 266-286): NVKYKKDIQN[Met276Thr]HDPVSDLPNL